The following is an entry in ClinVar:

NM_015065.3(EXPH5):c.1494A>G (p.Lys498=)

Gene: EXPH5 (exophilin 5; minus strand). Cytogenetic location: 11q22.3.
Variant type: single nucleotide variant.
Coding change: c.1494A>G on transcript NM_015065.3 (MANE Select); coding-DNA position 1494, A replaced by G.
Protein change: p.Lys498=; no amino-acid change (lysine 498 retained).
Molecular consequence: synonymous variant.
Genome position (GRCh38, 1-based): chr11:108,514,013, T>C on the plus strand (A>G on the coding strand, the complement: EXPH5 is on the minus strand). VCF-style: chr11-108514013-T-C. GRCh37 (hg19) VCF-style: chr11-108384740-T-C.
Other names: c.1266A>G, p.Lys422= (NM_001144763.2); c.1026A>G, p.Lys342= (NM_001144764.2); c.930A>G, p.Lys310= (NM_001144765.2); c.1473A>G, p.Lys491= (NM_001308019.2); c.1494A>G (NM_015065.2).
Identifiers: ClinVar variation 2570809 (VCV002570809.29), dbSNP rs116257574, ClinGen allele CA6268024.

ClinVar aggregate classification (germline): Benign/Likely benign. Review status: criteria provided, multiple submitters, no conflicts (2 of 4 stars). 3 submissions from 3 submitters: Benign (1); Likely benign (1). 1 of the submissions does not count toward it. Last evaluated 2025-12-26.

Conditions:
EXPH5-related disorder. Also called: EXPH5-related condition.

Allele frequency attached by ClinVar (database versions not stated): gnomAD exomes 0.00022; ExAC 0.00066; 1000 Genomes Project 30x 0.00187; gnomAD 0.00200; 1000 Genomes Project 0.00220; TOPMed 0.00233; ESP Exome Variant Server 0.00246.
gnomAD v4.1: 654 of 1,613,880 alleles (0.041%); highest among the groups gnomAD compares: African/African-American, 0.75%; 4 homozygotes.

Submissions (3):

Labcorp Genetics (formerly Invitae), Labcorp
Classification: Benign. Last evaluated: 2025-12-26. Review status: criteria provided, single submitter. Criteria: Invitae Variant Classification Sherloc (09022015). Collection method: clinical testing. Allele origin: germline.

CeGaT Center for Human Genetics Tuebingen
Classification: Likely benign. Last evaluated: 2023-04-01. Review status: criteria provided, single submitter. Criteria: CeGaT Center For Human Genetics Tuebingen Variant Classification Criteria Version 2. Collection method: clinical testing. Allele origin: germline. Affected: yes. Observed: 1 variant allele.
Comment: EXPH5: BP4, BP7

PreventionGenetics, part of Exact Sciences
Classification: Likely benign for EXPH5-related condition. Last evaluated: 2024-04-18. Review status: no assertion criteria provided. Collection method: clinical testing. Allele origin: germline. Not counted in ClinVar's aggregate classification.
Comment: This variant is classified as likely benign based on ACMG/AMP sequence variant interpretation guidelines (Richards et al. 2015 PMID: 25741868, with internal and published modifications).